The following is an entry in ClinVar:

ClinVar aggregate classification (germline): Likely pathogenic (1 of 4 stars; one submission).

Conditions:
Breast-ovarian cancer, familial, susceptibility to, 4. Identifiers: Orphanet 145, MedGen C3280345, MONDO:0013669, OMIM 614291.

Submission:

Labcorp Genetics (formerly Invitae), Labcorp
Classification: Likely pathogenic for Breast-ovarian cancer, familial, susceptibility to, 4. Last evaluated: 2024-01-28. Review status: criteria provided, single submitter. Criteria: Invitae Variant Classification Sherloc (09022015). Collection method: clinical testing. Allele origin: unknown.
Comment: This variant results in the deletion of exon 10 and part of exon 9 (c.896_*505del) of the RAD51D gene. While this deletion is not anticipated to lead to nonsense mediated decay, it is expected to alter mRNA translation or result in a truncated protein product. This variant has not been reported in the literature in individuals affected with RAD51D-related conditions. ClinVar contains an entry for this variant (Variation ID: 1516502). This variant disrupts the ATPase domain and RAD51C interaction domain of the RAD51D protein, which are necessary for the DNA repair activity (PMID: 14704354, 19327148, 21111057, 10749867). While functional studies have not been performed to directly test the effect of this variant on RAD51D protein function, this suggests that disruption of this region of the protein is causative of disease. In summary, the currently available evidence indicates that the variant is pathogenic, but additional data are needed to prove that conclusively. Therefore, this variant has been classified as Likely Pathogenic.

Literature cited by the submitters: PubMed 14704354; PubMed 19327148; PubMed 21111057; PubMed 10749867.

NC_000017.10:g.(?_33427467)_(33428227_?)del

Gene: RAD51D (RAD51 paralog D; minus strand). Cytogenetic location: 17q12.
Variant type: Deletion.
Identifiers: ClinVar variation 3243100 (VCV003243100.1).